The following is an entry in ClinVar:

NM_014834.4(LRRC37A):c.2917C>A (p.His973Asn)

Genes: ARL17B (ARF like GTPase 17B; minus strand), LRRC37A (leucine rich repeat containing 37A). Cytogenetic location: 17q21.31.
Variant type: single nucleotide variant.
Coding change: c.2917C>A on transcript NM_014834.4 (MANE Select); coding-DNA position 2917, C replaced by A.
Protein change: p.His973Asn; replaces histidine 973 with asparagine.
Molecular consequence: missense variant. On other transcripts: intron variant (2).
Genome position (GRCh38, 1-based): chr17:46,322,332, C>A. VCF-style: chr17-46322332-C-A. GRCh37 (hg19) VCF-style: chr17-44399698-C-A.
Other names: c.260-22667G>T (NM_001103154.2, NM_001352769.1); short protein forms H973N.
Identifiers: ClinVar variation 2550593 (VCV002550593.3), dbSNP rs370300274, ClinGen allele CA8619202.

ClinVar aggregate classification (germline): Uncertain significance (1 of 4 stars; one submission).

Allele frequency attached by ClinVar (database versions not stated): ESP Exome Variant Server 0.00019; gnomAD 0.00032; gnomAD exomes 0.00003; ExAC 0.00012.
gnomAD v4.1: 44 of 772,396 alleles (0.0057%); highest among the groups gnomAD compares: Admixed American, 0.056%; 11 homozygotes.

Submission:

Ambry Genetics
Classification: Uncertain significance. Last evaluated: 2026-04-16. Review status: criteria provided, single submitter. Criteria: Ambry Variant Classification Scheme 2023. Collection method: clinical testing. Allele origin: germline.
Comment: The c.2917C>A (p.H973N) alteration is located in exon 6 (coding exon 6) of the LRRC37A gene. This alteration results from a C to A substitution at nucleotide position 2917, causing the histidine (H) at amino acid position 973 to be replaced by an asparagine (N). Based on data from gnomAD, the A allele has an overall frequency of 0.019% (25/130966) total alleles studied. The highest observed frequency was 0.062% (12/19456) of Latino alleles. Based on insufficient or conflicting evidence, the clinical significance of this alteration remains unclear.